The following is an entry in ClinVar:

NM_002582.4(PARN):c.783G>A (p.Gln261=)

Gene: PARN (poly(A)-specific ribonuclease; minus strand). Cytogenetic location: 16p13.12.
Variant type: single nucleotide variant.
Coding change: c.783G>A on transcript NM_002582.4 (MANE Select); coding-DNA position 783, G replaced by A.
Protein change: p.Gln261=; no amino-acid change (glutamine 261 retained).
Molecular consequence: synonymous variant.
Genome position (GRCh38, 1-based): chr16:14,604,146, C>T on the plus strand (G>A on the coding strand, the complement: PARN is on the minus strand). VCF-style: chr16-14604146-C-T. GRCh37 (hg19) VCF-style: chr16-14698003-C-T.
Other names: c.600G>A, p.Gln200= (NM_001134477.3); c.645G>A, p.Gln215= (NM_001242992.2).
Identifiers: ClinVar variation 1444079 (VCV001444079.6), dbSNP rs1261797823, ClinGen allele CA493433705.

ClinVar aggregate classification (germline): Uncertain significance (1 of 4 stars; one submission).

Conditions:
Dyskeratosis congenita, autosomal recessive 6 (DKCB6). Identifiers: MedGen C4225356, MONDO:0014600, OMIM 616353.
Pulmonary fibrosis and/or bone marrow failure, Telomere-related, 4. Also called: PULMONARY FIBROSIS AND/OR BONE MARROW FAILURE SYNDROME, TELOMERE-RELATED, 4. Identifiers: Orphanet 2032, MedGen C4225347, MONDO:0014612, OMIM 616371.

Allele frequency attached by ClinVar (database versions not stated): gnomAD exomes below 0.00001.
gnomAD v4.1: 1 of 1,585,188 alleles (0.000063%); highest among the groups gnomAD compares: Non-Finnish European, 0.000086%; no homozygotes.

Submission:

Labcorp Genetics (formerly Invitae), Labcorp
Classification: Uncertain significance for Dyskeratosis congenita, autosomal recessive 6; Pulmonary fibrosis and/or bone marrow failure, Telomere-related, 4. Last evaluated: 2022-06-27. Review status: criteria provided, single submitter. Criteria: Invitae Variant Classification Sherloc (09022015). Collection method: clinical testing. Allele origin: germline.
Comment: This variant is present in population databases (no rsID available, gnomAD 0.001%). This sequence change affects codon 261 of the PARN mRNA. It is a 'silent' change, meaning that it does not change the encoded amino acid sequence of the PARN protein. This variant also falls at the last nucleotide of exon 11, which is part of the consensus splice site for this exon. Variants that disrupt the consensus splice site are a relatively common cause of aberrant splicing (PMID: 17576681, 9536098). Algorithms developed to predict the effect of sequence changes on RNA splicing suggest that this variant may disrupt the consensus splice site. This variant has not been reported in the literature in individuals affected with PARN-related conditions. In summary, the available evidence is currently insufficient to determine the role of this variant in disease. Therefore, it has been classified as a Variant of Uncertain Significance.

Literature cited by the submitters: PubMed 17576681; PubMed 9536098.